The following is an entry in ClinVar:

NM_052947.4(ALPK2):c.3895A>C (p.Ser1299Arg)

Genes: ALPK2 (alpha kinase 2; minus strand), LOC126862764 (BRD4-independent group 4 enhancer GRCh37_chr18:56202574-56203773; plus strand). Cytogenetic location: 18q21.31.
Variant type: single nucleotide variant.
Coding change: c.3895A>C on transcript NM_052947.4 (MANE Select); coding-DNA position 3895, A replaced by C.
Protein change: p.Ser1299Arg; replaces serine 1299 with arginine.
Molecular consequence: missense variant.
Genome position (GRCh38, 1-based): chr18:58,536,292, T>G on the plus strand (A>C on the coding strand, the complement: ALPK2 is on the minus strand). VCF-style: chr18-58536292-T-G. GRCh37 (hg19) VCF-style: chr18-56203524-T-G.
Other names: short protein forms S1299R.
Identifiers: ClinVar variation 1735930 (VCV001735930.2), dbSNP rs765365874, ClinGen allele CA402565274.

ClinVar aggregate classification (germline): Uncertain significance (1 of 4 stars; one submission).

Allele frequency attached by ClinVar (database versions not stated): gnomAD 0.00001; TOPMed 0.00001.
gnomAD v4.1: 12 of 1,614,100 alleles (0.00074%); highest among the groups gnomAD compares: Non-Finnish European, 0.00085%; no homozygotes.

Submission:

Ambry Genetics
Classification: Uncertain significance. Last evaluated: 2024-03-17. Review status: criteria provided, single submitter. Criteria: Ambry Variant Classification Scheme 2023. Collection method: clinical testing. Allele origin: germline.
Comment: The p.S1299R variant (also known as c.3895A>C), located in coding exon 4 of the ALPK2 gene, results from an A to C substitution at nucleotide position 3895. The serine at codon 1299 is replaced by arginine, an amino acid with dissimilar properties. This amino acid position is conserved. In addition, this alteration is predicted to be tolerated by in silico analysis. Since supporting evidence is limited at this time, the clinical significance of this alteration remains unclear.